The following is an entry in ClinVar:

NM_000660.7(TGFB1):c.184C>A (p.Pro62Thr)

Genes: TGFB1 (transforming growth factor beta 1; minus strand), LOC130064510 (ATAC-STARR-seq lymphoblastoid silent region 10661; plus strand). Cytogenetic location: 19q13.2.
Variant type: single nucleotide variant.
Coding change: c.184C>A on transcript NM_000660.7 (MANE Select); coding-DNA position 184, C replaced by A.
Protein change: p.Pro62Thr; replaces proline 62 with threonine.
Molecular consequence: missense variant.
Genome position (GRCh38, 1-based): chr19:41,352,861, G>T on the plus strand (C>A on the coding strand, the complement: TGFB1 is on the minus strand). VCF-style: chr19-41352861-G-T. GRCh37 (hg19) VCF-style: chr19-41858766-G-T.
Other names: c.184C>A (NM_000660.6); short protein forms P62T.
Identifiers: ClinVar variation 2981955 (VCV002981955.4), dbSNP rs2513392679, ClinGen allele CA406005751.

ClinVar aggregate classification (germline): Uncertain significance. Review status: criteria provided, multiple submitters, no conflicts (2 of 4 stars). 2 submissions from 2 submitters: Uncertain significance (2). Last evaluated 2025-01-23.

Conditions:
TGFB1-related disorder. Also called: TGFB1-related condition.

Submissions (2):

PreventionGenetics, part of Exact Sciences
Classification: Uncertain significance for TGFB1-related condition. Last evaluated: 2025-01-23. Review status: criteria provided, single submitter. Criteria: ACMG Guidelines, 2015. Collection method: clinical testing. Allele origin: germline.
Comment: The TGFB1 c.184C>A variant is predicted to result in the amino acid substitution p.Pro62Thr. To our knowledge, this variant has not been reported in the literature or in a large population database (gnomAD), indicating this variant is rare. At this time, the clinical significance of this variant is uncertain due to the absence of conclusive functional and genetic evidence.

Labcorp Genetics (formerly Invitae), Labcorp
Classification: Uncertain significance. Last evaluated: 2023-12-10. Review status: criteria provided, single submitter. Criteria: Invitae Variant Classification Sherloc (09022015). Collection method: clinical testing. Allele origin: germline.
Comment: This sequence change replaces proline, which is neutral and non-polar, with threonine, which is neutral and polar, at codon 62 of the TGFB1 protein (p.Pro62Thr). This variant is not present in population databases (gnomAD no frequency). This variant has not been reported in the literature in individuals affected with TGFB1-related conditions. Advanced modeling of protein sequence and biophysical properties (such as structural, functional, and spatial information, amino acid conservation, physicochemical variation, residue mobility, and thermodynamic stability) performed at Invitae indicates that this missense variant is not expected to disrupt TGFB1 protein function with a negative predictive value of 80%. In summary, the available evidence is currently insufficient to determine the role of this variant in disease. Therefore, it has been classified as a Variant of Uncertain Significance.